The following is an entry in ClinVar:

ClinVar aggregate classification (germline): Uncertain significance (1 of 4 stars; one submission).

Conditions:
Idiopathic generalized epilepsy. Also called: EIG; Generalised epilepsy. Identifiers: MedGen C0270850, MONDO:0005579, OMIM 600669.
Epilepsy, idiopathic generalized, susceptibility to, 13. Also called: EPILEPSY, JUVENILE MYOCLONIC, SUSCEPTIBILITY TO, 5. Identifiers: Orphanet 307, Orphanet 64280, MedGen C4013473, MONDO:0012627, OMIM 611136.
Epilepsy, childhood absence 4 (ECA4). Also called: EPILEPSY, CHILDHOOD ABSENCE, SUSCEPTIBILITY TO, 4. Identifiers: Orphanet 307, MedGen C1970160.

Submission:

Labcorp Genetics (formerly Invitae), Labcorp
Classification: Uncertain significance for Epilepsy, childhood absence 4; Epilepsy, idiopathic generalized, susceptibility to, 13; Idiopathic generalized epilepsy. Last evaluated: 2023-01-15. Review status: criteria provided, single submitter. Criteria: Invitae Variant Classification Sherloc (09022015). Collection method: clinical testing. Allele origin: germline.
Comment: In summary, the available evidence is currently insufficient to determine the role of this variant in disease. Therefore, it has been classified as a Variant of Uncertain Significance. Advanced modeling of protein sequence and biophysical properties (such as structural, functional, and spatial information, amino acid conservation, physicochemical variation, residue mobility, and thermodynamic stability) has been performed at Invitae for this missense variant, however the output from this modeling did not meet the statistical confidence thresholds required to predict the impact of this variant on GABRA1 protein function. This variant has not been reported in the literature in individuals affected with GABRA1-related conditions. This variant is not present in population databases (gnomAD no frequency). This sequence change replaces leucine, which is neutral and non-polar, with phenylalanine, which is neutral and non-polar, at codon 46 of the GABRA1 protein (p.Leu46Phe).

NM_001127644.2(GABRA1):c.138G>T (p.Leu46Phe)

Gene: GABRA1 (gamma-aminobutyric acid type A receptor subunit alpha1; plus strand). Cytogenetic location: 5q34.
Variant type: single nucleotide variant.
Coding change: c.138G>T on transcript NM_001127644.2 (MANE Select); coding-DNA position 138, G replaced by T.
Protein change: p.Leu46Phe; replaces leucine 46 with phenylalanine.
Molecular consequence: missense variant.
Genome position (GRCh38, 1-based): chr5:161,854,221, G>T. VCF-style: chr5-161854221-G-T. GRCh37 (hg19) VCF-style: chr5-161281227-G-T.
Other names: c.138G>T, p.Leu46Phe (NM_000806.5, NM_001127643.2, NM_001127645.2 and 1 more transcripts); short protein forms L46F.
Identifiers: ClinVar variation 2100315 (VCV002100315.4), dbSNP rs2532204992, ClinGen allele CA362181582.
Genomic context (GRCh38, chr5:161,854,221, plus strand): 5'-TGGACAGCCGTCATTACAAGATGAACTTAAAGACAATACCACTGTCTTCACCAGGATTTT[G>T]GACAGACTCCTAGATGGTTATGACAATCGCCTGAGACCAGGATTGGGAGGTAGGTTGCAT-3'
Protein context (NP_001121116.1, residues 36-56): KDNTTVFTRI[Leu46Phe]DRLLDGYDNR